The following is an entry in ClinVar:

NM_001193329.3(AOPEP):c.1609C>T (p.Arg537Cys)

Genes: AOPEP (aminopeptidase O (putative); plus strand), AOPEP-AS1 (AOPEP antisense RNA 1; minus strand). Cytogenetic location: 9q22.32.
Variant type: single nucleotide variant.
Coding change: c.1609C>T on transcript NM_001193329.3 (MANE Select); coding-DNA position 1609, C replaced by T.
Protein change: p.Arg537Cys; replaces arginine 537 with cysteine.
Molecular consequence: missense variant. On other transcripts: non-coding transcript variant (3), intron variant (4).
Genome position (GRCh38, 1-based): chr9:94,928,479, C>T. VCF-style: chr9-94928479-C-T. GRCh37 (hg19) VCF-style: chr9-97690761-C-T.
Other names: c.1609C>T, p.Arg537Cys (NM_001193331.3, NM_001386063.2, NM_001386066.1 and 7 more transcripts); c.1288C>T, p.Arg430Cys (NM_001386062.2); c.739C>T, p.Arg247Cys (NM_001386073.1); c.1365-26698C>T (NM_032823.6, NM_001386069.1); c.1365-50888C>T (NM_001386067.1); c.372-26698C>T (NM_001386061.1); short protein forms R247C, R430C, R537C.
Identifiers: ClinVar variation 2499095 (VCV002499095.28), dbSNP rs1019446111, ClinGen allele CA196795758.

ClinVar aggregate classification (germline): Uncertain significance (1 of 4 stars; one submission).

Allele frequency attached by ClinVar (database versions not stated): gnomAD 0.00002; TOPMed 0.00002.
gnomAD v4.1: 15 of 1,550,308 alleles (0.00097%); highest among the groups gnomAD compares: Admixed American, 0.014%; no homozygotes.

Submission:

CeGaT Center for Human Genetics Tuebingen
Classification: Uncertain significance. Last evaluated: 2023-01-01. Review status: criteria provided, single submitter. Criteria: CeGaT Center For Human Genetics Tuebingen Variant Classification Criteria Version 2. Collection method: clinical testing. Allele origin: germline. Affected: yes. Observed: 1 variant allele.
Comment: AOPEP: PM2, BP4